The following is an entry in ClinVar:

ClinVar aggregate classification (germline): Pathogenic. Review status: reviewed by expert panel (3 of 4 stars). 3 submissions from 3 submitters: Pathogenic (1). 2 of the submissions do not count toward it. Last evaluated 2025-10-21.

Conditions:
Hereditary antithrombin deficiency (AT3D). Also called: Antithrombin III deficiency; Thrombophilia due to antithrombin III deficiency; Antithrombin deficiency; Reduced antithrombin III activity. Identifiers: Orphanet 82, MedGen C0272375, MONDO:0013144, OMIM 613118, HP:0001976.
Tuberous sclerosis 2 (TSC2). Identifiers: Orphanet 805, MedGen C1860707, MONDO:0013199, OMIM 613254.

Submissions (3):

Clingen Thrombosis Variant Curation Expert Panel, ClinGen
Classification: Pathogenic for Hereditary antithrombin deficiency. Last evaluated: 2025-10-21. Review status: reviewed by expert panel. Criteria: ClinGen ACMG Specifications SERPINC1 V1.0.0. Collection method: curation. Allele origin: germline. Inheritance: Autosomal dominant inheritance.
Comment: The c.1016G>A; p.Trp339Ter variant in SERPINC1 is a nonsense variant predicted to cause a premature stop codon in biologically-relevant-exon 5/7 leading to nonsense mediated decay in a gene in which loss-of-function is an established disease mechanism (PVS1). This variant has been reported in at least two probands meeting an antithrombin activity level of < 0.8 IU/mL with reported reduced activity in an additional relative in one family (Points: 1.5 - PS4_Supporting; PMID:38224959 & 23932013). This variant is absent from gnomAD v4.1.0 (PM2_Supporting). In summary, this variant meets the criteria to be classified as pathogenic for autosomal dominant hereditary antithrombin deficiency based on the ACMG/AMP criteria applied, as specified by the ClinGen Thrombosis VCEP: PVS1, PS4_Supporting, PM2_Supporting

Labcorp Genetics (formerly Invitae), Labcorp
Classification: Pathogenic for Hereditary antithrombin deficiency. Last evaluated: 2021-07-07. Review status: criteria provided, single submitter. Criteria: Invitae Variant Classification Sherloc (09022015). Collection method: clinical testing. Allele origin: germline. Not counted in ClinVar's aggregate classification.
Comment: This sequence change creates a premature translational stop signal (p.Trp339*) in the SERPINC1 gene. It is expected to result in an absent or disrupted protein product. Loss-of-function variants in SERPINC1 are known to be pathogenic (PMID: 21264449). This variant is not present in population databases (ExAC no frequency). This premature translational stop signal has been observed in individual(s) with antithrombin deficiency (PMID: 23932013). ClinVar contains an entry for this variant (Variation ID: 100923). For these reasons, this variant has been classified as Pathogenic.

Hubei Clinical and Research Center of Thrombosis and Hemostasis Institute of Hematology, Union Hospital
No classification provided. Review status: no classification provided. Collection method: not provided. Allele origin: not provided. Not counted in ClinVar's aggregate classification.

Literature cited by the submitters: PubMed 21264449 (cited by Labcorp Genetics (formerly Invitae), Labcorp); PubMed 23932013 (cited by Labcorp Genetics (formerly Invitae), Labcorp).

NM_000488.4(SERPINC1):c.1016G>A (p.Trp339Ter)

Gene: SERPINC1 (serpin family C member 1; minus strand). Cytogenetic location: 1q25.1.
Variant type: single nucleotide variant.
Coding change: c.1016G>A on transcript NM_000488.4 (MANE Select); coding-DNA position 1016, G replaced by A.
Protein change: p.Trp339Ter; replaces tryptophan 339 with a stop codon.
Molecular consequence: nonsense.
Genome position (GRCh38, 1-based): chr1:173,909,689, C>T on the plus strand (G>A on the coding strand, the complement: SERPINC1 is on the minus strand). VCF-style: chr1-173909689-C-T. GRCh37 (hg19) VCF-style: chr1-173878827-C-T.
Other names: NM_000488.4(SERPINC1):c.1016G>A; p.Trp339Ter; c.872G>A, p.Trp291Ter (NM_001365052.2); c.1139G>A, p.Trp380Ter (NM_001386302.1); c.1097G>A, p.Trp366Ter (NM_001386303.1); c.995G>A, p.Trp332Ter (NM_001386304.1); c.959G>A, p.Trp320Ter (NM_001386305.1); c.800G>A, p.Trp267Ter (NM_001386306.1); short protein forms W339*, W291*, W267*, W320*, W332*, W366*, W380*.
Identifiers: ClinVar variation 100923 (VCV000100923.8), dbSNP rs483352856, ClinGen allele CA150667.
Genomic context (GRCh38, chr1:173,909,689, plus strand): 5'-TCCTCAATGCGGAAGCGGGGCATGTGGACCACCAGCATCATCTCCTCCAATTCATCCAGC[C>T]ACTCTTGCAGCACCTCTGGGGTGAGTTCCTTCTCTACCTTGGCCAGGCTCTTCTCAGGCT-3'